The following is an entry in ClinVar:

ClinVar aggregate classification (germline): Uncertain significance (1 of 4 stars; one submission).

Submission:

Labcorp Genetics (formerly Invitae), Labcorp
Classification: Uncertain significance. Last evaluated: 2024-07-12. Review status: criteria provided, single submitter. Criteria: Invitae Variant Classification Sherloc (09022015). Collection method: clinical testing. Allele origin: germline.
Comment: This sequence change falls in intron 37 of the CACNA1E gene. It does not directly change the encoded amino acid sequence of the CACNA1E protein. It affects a nucleotide within the consensus splice site. This variant is not present in population databases (gnomAD no frequency). This variant has not been reported in the literature in individuals affected with CACNA1E-related conditions. Variants that disrupt the consensus splice site are a relatively common cause of aberrant splicing (PMID: 17576681, 9536098). Algorithms developed to predict the effect of sequence changes on RNA splicing suggest that this variant is not likely to affect RNA splicing. In summary, the available evidence is currently insufficient to determine the role of this variant in disease. Therefore, it has been classified as a Variant of Uncertain Significance.

Literature cited by the submitters: PubMed 17576681; PubMed 9536098.

NM_001205293.3(CACNA1E):c.5139+6C>A

Gene: CACNA1E (calcium voltage-gated channel subunit alpha1 E; plus strand). Cytogenetic location: 1q25.3.
Variant type: single nucleotide variant.
Coding change: c.5139+6C>A on transcript NM_001205293.3 (MANE Select); 6 bases into the intron after coding-DNA position 5139, C replaced by A.
Molecular consequence: intron variant.
Genome position (GRCh38, 1-based): chr1:181,772,237, C>A. VCF-style: chr1-181772237-C-A. GRCh37 (hg19) VCF-style: chr1-181741373-C-A.
Other names: c.5139+6C>A (NM_000721.4); c.5082+6C>A (NM_001205294.2).
Identifiers: ClinVar variation 3659384 (VCV003659384.2).
Genomic context (GRCh38, chr1:181,772,237, plus strand): 5'-CACCGATCTGGCCTACGTGTACTTTGTCTCCTTCATCTTCTTCTGCTCCTTCTTGGTGAG[C>A]AACATTGTGCTTTTGCCTTGCTATGTGGCCCATCCCATCCTACCCCTAACCCTCTGATAC-3'